The following is an entry in ClinVar:

ClinVar aggregate classification (germline): Uncertain significance. Review status: criteria provided, multiple submitters, no conflicts (2 of 4 stars). 2 submissions from 2 submitters: Uncertain significance (2). Last evaluated 2025-02-11.

Conditions:
Cardiomyopathy (CMYO). Also called: Cardiomyopathies. Identifiers: Orphanet 167848, MedGen C0878544, MONDO:0004994, HP:0001638. Inheritance: Various modes of inheritance.
Catecholaminergic polymorphic ventricular tachycardia 1. Also called: VENTRICULAR TACHYCARDIA, CATECHOLAMINERGIC POLYMORPHIC, 1, WITH OR WITHOUT ATRIAL DYSFUNCTION AND/OR DILATED CARDIOMYOPATHY; RYR2-Related Catecholaminergic Polymorphic Ventricular Tachycardia; VENTRICULAR TACHYCARDIA, STRESS-INDUCED POLYMORPHIC 1. Identifiers: Orphanet 3286, MedGen C1631597, MONDO:0011484, OMIM 604772.

Allele frequency attached by ClinVar (database versions not stated): ExAC 0.00001; gnomAD exomes 0.00001.
gnomAD v4.1: 7 of 1,611,248 alleles (0.00043%); highest among the groups gnomAD compares: South Asian, 0.0066%; no homozygotes.

Submissions (2):

Labcorp Genetics (formerly Invitae), Labcorp
Classification: Uncertain significance for Catecholaminergic polymorphic ventricular tachycardia 1. Last evaluated: 2025-02-11. Review status: criteria provided, single submitter. Criteria: Invitae Variant Classification Sherloc (09022015). Collection method: clinical testing. Allele origin: germline.
Comment: This sequence change replaces glutamic acid, which is acidic and polar, with glycine, which is neutral and non-polar, at codon 1635 of the RYR2 protein (p.Glu1635Gly). This variant is present in population databases (rs775882877, gnomAD 0.007%). This variant has not been reported in the literature in individuals affected with RYR2-related conditions. ClinVar contains an entry for this variant (Variation ID: 923180). Invitae Evidence Modeling of protein sequence and biophysical properties (such as structural, functional, and spatial information, amino acid conservation, physicochemical variation, residue mobility, and thermodynamic stability) indicates that this missense variant is expected to disrupt RYR2 protein function with a positive predictive value of 95%. Algorithms developed to predict the effect of sequence changes on RNA splicing suggest that this variant may disrupt the consensus splice site. In summary, the available evidence is currently insufficient to determine the role of this variant in disease. Therefore, it has been classified as a Variant of Uncertain Significance.

Color Diagnostics, LLC DBA Color Health
Classification: Uncertain significance for Cardiomyopathy. Last evaluated: 2024-03-06. Review status: criteria provided, single submitter. Criteria: ACMG Guidelines, 2015. Collection method: clinical testing. Allele origin: germline.
Comment: This missense variant replaces glutamic acid with glycine at codon 1635 of the RYR2 protein. Computational prediction suggests that this variant may not impact protein structure and function (internally defined REVEL score threshold <= 0.5, PMID: 27666373). Splice site prediction tools suggest that this variant may not impact RNA splicing. To our knowledge, functional studies have not been performed for this variant. This variant has not been reported in individuals affected with cardiovascular disorders in the literature. This variant has been identified in 2/243942 chromosomes in the general population by the Genome Aggregation Database (gnomAD). The available evidence is insufficient to determine the role of this variant in disease conclusively. Therefore, this variant is classified as a Variant of Uncertain Significance.

NM_001035.3(RYR2):c.4904A>G (p.Glu1635Gly)

Gene: RYR2 (ryanodine receptor 2; plus strand). Cytogenetic location: 1q43.
Variant type: single nucleotide variant.
Coding change: c.4904A>G on transcript NM_001035.3 (MANE Select); coding-DNA position 4904, A replaced by G.
Protein change: p.Glu1635Gly; replaces glutamic acid 1635 with glycine.
Molecular consequence: missense variant.
Genome position (GRCh38, 1-based): chr1:237,610,982, A>G. VCF-style: chr1-237610982-A-G. GRCh37 (hg19) VCF-style: chr1-237774282-A-G.
Other names: short protein forms E1635G.
Identifiers: ClinVar variation 923180 (VCV000923180.6), dbSNP rs775882877, ClinGen allele CA086762.